The following is an entry in ClinVar:

NM_000548.5(TSC2):c.1177G>A (p.Glu393Lys)

Gene: TSC2 (TSC complex subunit 2; plus strand). Cytogenetic location: 16p13.3.
Variant type: single nucleotide variant.
Coding change: c.1177G>A on transcript NM_000548.5 (MANE Select); coding-DNA position 1177, G replaced by A.
Protein change: p.Glu393Lys; replaces glutamic acid 393 with lysine.
Molecular consequence: missense variant. On other transcripts: 5 prime UTR variant (10), non-coding transcript variant (5).
Genome position (GRCh38, 1-based): chr16:2,061,928, G>A. VCF-style: chr16-2061928-G-A. GRCh37 (hg19) VCF-style: chr16-2111929-G-A.
Other names: c.1177G>A, p.Glu393Lys (NM_001077183.3, NM_001114382.3, NM_001363528.2 and 6 more transcripts); c.1066G>A, p.Glu356Lys (NM_001318827.2, NM_001406670.1, NM_001406678.1); c.1030G>A, p.Glu344Lys (NM_001318829.2, NM_001406675.1, NM_001406676.1 and 1 more transcripts); c.577G>A, p.Glu193Lys (NM_001318831.2, NM_001406680.1, NM_001406682.1 and 6 more transcripts); c.1210G>A, p.Glu404Lys (NM_001318832.2); c.1267G>A, p.Glu423Lys (NM_001406667.1, NM_001406668.1); c.1165G>A, p.Glu389Lys (NM_001406671.1, NM_001406673.1); c.1120G>A, p.Glu374Lys (NM_001406677.1); and 4 more; short protein forms E344K, E393K, E423K, E356K, E374K, E239K, E193K, E389K.
Identifiers: ClinVar variation 4556757 (VCV004556757.1).

ClinVar aggregate classification (germline): Uncertain significance (1 of 4 stars; one submission).

Conditions:
Hereditary cancer-predisposing syndrome. Also called: Tumor predisposition; Hereditary Cancer Syndrome; Hereditary neoplastic syndrome; Neoplastic Syndromes, Hereditary. Identifiers: Orphanet 140162, MedGen C0027672, MeSH D009386, MONDO:0015356.

Submission:

Ambry Genetics
Classification: Uncertain significance for Hereditary cancer-predisposing syndrome. Last evaluated: 2025-09-28. Review status: criteria provided, single submitter. Criteria: Ambry Variant Classification Scheme 2023. Collection method: clinical testing. Allele origin: germline.
Comment: The p.E393K variant (also known as c.1177G>A), located in coding exon 11 of the TSC2 gene, results from a G to A substitution at nucleotide position 1177. The glutamic acid at codon 393 is replaced by lysine, an amino acid with similar properties. This amino acid position is conserved. In addition, this alteration is predicted to be deleterious by in silico analysis. Based on the available evidence, the clinical significance of this variant remains unclear.